The following is an entry in ClinVar:

ClinVar aggregate classification (germline): Uncertain significance. Review status: criteria provided, multiple submitters, no conflicts (2 of 4 stars). 4 submissions from 4 submitters: Uncertain significance (4). Last evaluated 2025-06-12.

Conditions:
Inborn genetic diseases. Identifiers: MedGen C0950123, MeSH D030342.
Peroxisome biogenesis disorder. Identifiers: Orphanet 79189, MedGen C1832200, MONDO:0019234. Disease mechanism: loss of function.

Allele frequency attached by ClinVar (database versions not stated): gnomAD exomes 0.00001; TOPMed 0.00001; ExAC 0.00002.

Submissions (4):

ARUP Laboratories, Molecular Genetics and Genomics, ARUP Laboratories
Classification: Uncertain significance. Last evaluated: 2025-06-12. Review status: criteria provided, single submitter. Criteria: ARUP Molecular Germline Variant Investigation Process 2024. Collection method: clinical testing. Allele origin: germline.
Comment: The PEX6 c.625C>T; p.Arg209Trp variant (rs749292690), to our knowledge, is not reported in the medical literature but is reported in ClinVar (Variation ID: 1364734). This variant is only observed on three alleles in the Genome Aggregation Database (v2.1.1), indicating it is not a common polymorphism. Computational analyses predict that this variant is deleterious (REVEL: 0.754). Due to limited information, the clinical significance of this variant is uncertain at this time.

Blueprint Genetics
Classification: Uncertain significance. Last evaluated: 2024-09-09. Review status: criteria provided, single submitter. Criteria: ACMG Guidelines, 2015. Collection method: clinical testing. Allele origin: germline.

Ambry Genetics
Classification: Uncertain significance for Inborn genetic diseases. Last evaluated: 2022-09-27. Review status: criteria provided, single submitter. Criteria: Ambry Variant Classification Scheme 2023. Collection method: clinical testing. Allele origin: germline.

Labcorp Genetics (formerly Invitae), Labcorp
Classification: Uncertain significance for Peroxisome biogenesis disorder. Last evaluated: 2022-06-05. Review status: criteria provided, single submitter. Criteria: Invitae Variant Classification Sherloc (09022015). Collection method: clinical testing. Allele origin: germline.
Comment: This sequence change replaces arginine, which is basic and polar, with tryptophan, which is neutral and slightly polar, at codon 209 of the PEX6 protein (p.Arg209Trp). This variant is present in population databases (rs749292690, gnomAD 0.003%). This variant has not been reported in the literature in individuals affected with PEX6-related conditions. ClinVar contains an entry for this variant (Variation ID: 1364734). Algorithms developed to predict the effect of missense changes on protein structure and function are either unavailable or do not agree on the potential impact of this missense change (SIFT: "Deleterious"; PolyPhen-2: "Probably Damaging"; Align-GVGD: "Class C0"). In summary, the available evidence is currently insufficient to determine the role of this variant in disease. Therefore, it has been classified as a Variant of Uncertain Significance.

NM_000287.4(PEX6):c.625C>T (p.Arg209Trp)

Gene: PEX6 (peroxisomal biogenesis factor 6; minus strand). Cytogenetic location: 6p21.1.
Variant type: single nucleotide variant.
Coding change: c.625C>T on transcript NM_000287.4 (MANE Select); coding-DNA position 625, C replaced by T.
Protein change: p.Arg209Trp; replaces arginine 209 with tryptophan.
Molecular consequence: missense variant. On other transcripts: non-coding transcript variant (1), intron variant (1).
Genome position (GRCh38, 1-based): chr6:42,978,526, G>A on the plus strand (C>T on the coding strand, the complement: PEX6 is on the minus strand). VCF-style: chr6-42978526-G-A. GRCh37 (hg19) VCF-style: chr6-42946264-G-A.
Other names: c.625C>T (NM_000287.3); c.618+7C>T (NM_001316313.2); short protein forms R209W.
Identifiers: ClinVar variation 1364734 (VCV001364734.6), dbSNP rs749292690, ClinGen allele CA3811593.
Genomic context (GRCh38, chr6:42,978,526, plus strand): 5'-TGGCCTGGGCCACCCACACCCATTCGCCCTGGAAGAGGCCAAGGCCACGGAGACAGCTCC[G>A]GCTCACCCCTAGTGAATCTCCAGTCCCTCCCAGAACTCCCTGGAGTCGCCGCACTGTGCC-3'
Protein context (NP_000278.3, residues 199-219): GGTGDSLGVS[Arg209Trp]SCLRGLGLFQ